The following is an entry in ClinVar:

ClinVar aggregate classification (germline): Likely benign. Review status: criteria provided, single submitter (1 of 4 stars). 2 submissions from 2 submitters: Likely benign (1). 1 of the submissions does not count toward it. Last evaluated 2022-07-01.

Conditions:
HACL1-related disorder. Also called: HACL1-related condition.

Allele frequency attached by ClinVar (database versions not stated): ExAC 0.00004; gnomAD exomes 0.00004; gnomAD 0.00005; 1000 Genomes Project 30x 0.00094; 1000 Genomes Project 0.00120.
gnomAD v4.1: 71 of 1,611,154 alleles (0.0044%); highest among the groups gnomAD compares: Middle Eastern, 0.066%; 1 homozygote.

Submissions (2):

CeGaT Center for Human Genetics Tuebingen
Classification: Likely benign. Last evaluated: 2022-07-01. Review status: criteria provided, single submitter. Criteria: CeGaT Center For Human Genetics Tuebingen Variant Classification Criteria Version 2. Collection method: clinical testing. Allele origin: germline. Affected: yes. Observed: 1 variant allele.
Comment: HACL1: BP4, BP7

PreventionGenetics, part of Exact Sciences
Classification: Likely benign for HACL1-related condition. Last evaluated: 2019-02-26. Review status: no assertion criteria provided. Collection method: clinical testing. Allele origin: germline. Not counted in ClinVar's aggregate classification.
Comment: This variant is classified as likely benign based on ACMG/AMP sequence variant interpretation guidelines (Richards et al. 2015 PMID: 25741868, with internal and published modifications).

NM_012260.4(HACL1):c.1614C>T (p.Leu538=)

Gene: HACL1 (2-hydroxyacyl-CoA lyase 1; minus strand). Cytogenetic location: 3p25.1.
Variant type: single nucleotide variant.
Coding change: c.1614C>T on transcript NM_012260.4 (MANE Select); coding-DNA position 1614, C replaced by T.
Protein change: p.Leu538=; no amino-acid change (leucine 538 retained).
Molecular consequence: synonymous variant. On other transcripts: non-coding transcript variant (1).
Genome position (GRCh38, 1-based): chr3:15,563,448, G>A on the plus strand (C>T on the coding strand, the complement: HACL1 is on the minus strand). VCF-style: chr3-15563448-G-A. GRCh37 (hg19) VCF-style: chr3-15604955-G-A.
Other names: c.1533C>T, p.Leu511= (NM_001284413.2); c.1434C>T, p.Leu478= (NM_001284415.2); c.1368C>T, p.Leu456= (NM_001284416.2); c.1614C>T (NM_012260.3).
Identifiers: ClinVar variation 2653598 (VCV002653598.25), dbSNP rs186020952, ClinGen allele CA2276465.
Genomic context (GRCh38, chr3:15,563,448, plus strand): 5'-CATGATGTTGATAAGAGAAGGTTTAGTTGTGTCTGCTAGGCTCTGCCTCAGGGATTTTTG[G>A]AGTTCTTCTGGTGTTTGTACAAAATACCCTTTGCCTCCAAATGCAGTCATGACTTGCTCA-3'
Protein context (NP_036392.2, residues 528-548): KGYFVQTPEE[Leu538=]QKSLRQSLAD